The following is an entry in ClinVar:

ClinVar aggregate classification (germline): Pathogenic/Likely pathogenic. Review status: criteria provided, multiple submitters, no conflicts (2 of 4 stars). 4 submissions from 4 submitters: Pathogenic (1); Likely pathogenic (3). Last evaluated 2024-05-11.

Conditions:
TH-deficient dopa-responsive dystonia. Also called: Segawa syndrome, autosomal recessive; DYT-TH; Tyrosine Hydroxylase-Deficient Dopa-Responsive Dystonia. Identifiers: Orphanet 101150, MedGen C2673535, MONDO:0011551, OMIM 605407.

Allele frequency attached by ClinVar (database versions not stated): TOPMed below 0.00001.

Submissions (4):

Fulgent Genetics
Classification: Likely pathogenic for TH-deficient dopa-responsive dystonia. Last evaluated: 2024-05-11. Review status: criteria provided, single submitter. Criteria: ACMG Guidelines, 2015. Collection method: clinical testing. Allele origin: germline.

Baylor Genetics
Classification: Likely pathogenic for TH-deficient dopa-responsive dystonia. Last evaluated: 2023-11-06. Review status: criteria provided, single submitter. Criteria: ACMG Guidelines, 2015. Collection method: clinical testing. Allele origin: unknown.

Labcorp Genetics (formerly Invitae), Labcorp
Classification: Pathogenic for TH-deficient dopa-responsive dystonia. Last evaluated: 2023-04-06. Review status: criteria provided, single submitter. Criteria: Invitae Variant Classification Sherloc (09022015). Collection method: clinical testing. Allele origin: germline.
Comment: For these reasons, this variant has been classified as Pathogenic. This variant has not been reported in the literature in individuals affected with TH-related conditions. This sequence change creates a premature translational stop signal (p.Ser226Argfs*11) in the TH gene. It is expected to result in an absent or disrupted protein product. Loss-of-function variants in TH are known to be pathogenic (PMID: 22264700, 24753243). This variant is not present in population databases (gnomAD no frequency).

Juno Genomics, Hangzhou Juno Genomics, Inc
Classification: Likely pathogenic for TH-deficient dopa-responsive dystonia. Review status: criteria provided, single submitter. Criteria: ACMG Guidelines, 2015. Collection method: clinical testing. Allele origin: germline.
Comment: Absent from controls (or at extremely low frequency if recessive) in Genome Aggregation Database.;Null variant in a gene where loss of function (LOF) is a known mechanism of disease.

Literature cited by the submitters: PubMed 22264700 (cited by Labcorp Genetics (formerly Invitae), Labcorp); PubMed 24753243 (cited by Labcorp Genetics (formerly Invitae), Labcorp).

NM_000360.4(TH):c.583del (p.Ser195fs)

Gene: TH (tyrosine hydroxylase; minus strand). Cytogenetic location: 11p15.5.
Variant type: Deletion.
Coding change: c.583del on transcript NM_000360.4 (MANE Select); coding-DNA position 583, one base deleted (T; older notation c.583delT).
Protein change: p.Ser195fs; shifts the reading frame from serine 195.
Molecular consequence: frameshift variant.
Genome position (GRCh38, 1-based): chr11:2,167,927, A deleted on the plus strand (T on the coding strand, the reverse complement: TH is on the minus strand). VCF-style (leftmost placement, unchanged base first): chr11-2167926-GA-G. GRCh37 (hg19) VCF-style: chr11-2189156-GA-G.
Other names: c.676del (NM_199292.2); c.676del, p.Ser226fs (NM_199292.3); c.664del, p.Ser222fs (NM_199293.3); short protein forms S195fs, S226fs, S222fs.
Identifiers: ClinVar variation 2852296 (VCV002852296.7), dbSNP rs1846146030, ClinGen allele CA1948007272.